The following is an entry in ClinVar:

NM_000308.4(CTSA):c.160C>T (p.Leu54Phe)

Gene: CTSA (cathepsin A; plus strand). Cytogenetic location: 20q13.12.
Variant type: single nucleotide variant.
Coding change: c.160C>T on transcript NM_000308.4 (MANE Select); coding-DNA position 160, C replaced by T.
Protein change: p.Leu54Phe; replaces leucine 54 with phenylalanine.
Molecular consequence: missense variant. On other transcripts: non-coding transcript variant (1).
Genome position (GRCh38, 1-based): chr20:45,891,728, C>T. VCF-style: chr20-45891728-C-T. GRCh37 (hg19) VCF-style: chr20-44520367-C-T.
Other names: c.160C>T, p.Leu54Phe (NM_001127695.3, NM_001167594.3); c.214C>T (NM_000308.2); short protein forms L54F.
Identifiers: ClinVar variation 1360146 (VCV001360146.6), dbSNP rs138615064, ClinGen allele CA9882943.
Genomic context (GRCh38, chr20:45,891,728, plus strand): 5'-GAGATCCAGCGCCTCCCCGGGCTGGCCAAGCAGCCGTCTTTCCGCCAGTACTCCGGCTAC[C>T]TCAAAGGCTCCGGCTCCAAGCACCTCCACTACTGGTCTGCCGCCCTGCCTTCTGGGCGGG-3'
Protein context (NP_000299.3, residues 44-64): QPSFRQYSGY[Leu54Phe]KGSGSKHLHY

ClinVar aggregate classification (germline): Conflicting classifications of pathogenicity. Review status: criteria provided, conflicting classifications (1 of 4 stars). 3 submissions from 3 submitters: Uncertain significance (2); Likely benign (1). Last evaluated 2025-02-13.

Conditions:
Combined deficiency of sialidase AND beta galactosidase (GSL). Also called: CATHEPSIN A DEFICIENCY; GOLDBERG SYNDROME; Galactosialidosis; NEURAMINIDASE DEFICIENCY WITH BETA-GALACTOSIDASE DEFICIENCY; NEURAMINIDASE/BETA-GALACTOSIDASE EXPRESSION; PPCA DEFICIENCY. Identifiers: Orphanet 351, MedGen C0268233, MONDO:0009737, OMIM 256540.
Inborn genetic diseases. Identifiers: MedGen C0950123, MeSH D030342.

Allele frequency attached by ClinVar (database versions not stated): gnomAD exomes 0.00002 and 0.00005; ExAC 0.00004; gnomAD 0.00015 and 0.00016; 1000 Genomes Project 0.00020; TOPMed 0.00021; 1000 Genomes Project 30x 0.00031; ESP Exome Variant Server 0.00031.
gnomAD v4.1: 50 of 1,613,686 alleles (0.0031%); highest among the groups gnomAD compares: African/African-American, 0.057%; no homozygotes.

Submissions (3):

Ambry Genetics
Classification: Likely benign for Inborn genetic diseases. Last evaluated: 2025-02-13. Review status: criteria provided, single submitter. Criteria: Ambry Variant Classification Scheme 2023. Collection method: clinical testing. Allele origin: germline.

Genomic Medicine Center of Excellence, King Faisal Specialist Hospital and Research Centre
Classification: Uncertain significance for Combined deficiency of sialidase AND beta galactosidase. Last evaluated: 2024-03-25. Review status: criteria provided, single submitter. Criteria: ACMG Guidelines, 2015. Collection method: research. Allele origin: germline.

Labcorp Genetics (formerly Invitae), Labcorp
Classification: Uncertain significance for Combined deficiency of sialidase AND beta galactosidase. Last evaluated: 2022-10-24. Review status: criteria provided, single submitter. Criteria: Invitae Variant Classification Sherloc (09022015). Collection method: clinical testing. Allele origin: germline.
Comment: This sequence change replaces leucine, which is neutral and non-polar, with phenylalanine, which is neutral and non-polar, at codon 72 of the CTSA protein (p.Leu72Phe). This variant is present in population databases (rs138615064, gnomAD 0.06%). This variant has not been reported in the literature in individuals affected with CTSA-related conditions. ClinVar contains an entry for this variant (Variation ID: 1360146). Advanced modeling of protein sequence and biophysical properties (such as structural, functional, and spatial information, amino acid conservation, physicochemical variation, residue mobility, and thermodynamic stability) performed at Invitae indicates that this missense variant is not expected to disrupt CTSA protein function. In summary, the available evidence is currently insufficient to determine the role of this variant in disease. Therefore, it has been classified as a Variant of Uncertain Significance.